The following is an entry in ClinVar:

ClinVar aggregate classification (germline): Conflicting classifications of pathogenicity. Review status: criteria provided, conflicting classifications (1 of 4 stars). 6 submissions from 6 submitters: Uncertain significance (1); Benign (2); Likely benign (3). Last evaluated 2025-10-01.

Conditions:
Autosomal dominant nonsyndromic hearing loss 3B. Identifiers: Orphanet 90635, MedGen C2675237, MONDO:0012975, OMIM 612643.
Autosomal recessive nonsyndromic hearing loss 1A (DFNB1A). Also called: GJB6-Related DFNB 1 Nonsyndromic Hearing Loss and Deafness; Deafness, autosomal recessive 1A; Nonsyndromic Hearing Loss and Deafness, DFNB1; GJB2-Related Autosomal Recessive Nonsyndromic Hearing Loss; Connexin 26 deafness; Deafness nonsyndromic, Connexin 26 linked. Identifiers: Orphanet 90636, MedGen C2673759, MONDO:0009076, OMIM 220290.
Hidrotic ectodermal dysplasia syndrome (GJB6). Also called: Ectodermal dysplasia 2, hidrotic; Autosomal dominant hidrotic ectodermal dysplasia; Clouston syndrome; Clouston's hidrotic ectodermal dysplasia; Hidrotic ectodermal dysplasia; CLOUSTON HIDROTIC ECTODERMAL DYSPLASIA. Identifiers: Orphanet 189, MedGen C0162361, MONDO:0007510, OMIM 129500.
Autosomal recessive nonsyndromic hearing loss 1B. Also called: DEAFNESS, AUTOSOMAL RECESSIVE 1B. Identifiers: Orphanet 90636, MedGen C2675235, MONDO:0012977, OMIM 612645.

Allele frequency attached by ClinVar (database versions not stated): gnomAD exomes 0.00034; ExAC 0.00041; gnomAD 0.00103 and 0.00113; 1000 Genomes Project 30x 0.00109; TOPMed 0.00117; 1000 Genomes Project 0.00120; ESP Exome Variant Server 0.00131.
gnomAD v4.1: 360 of 1,613,976 alleles (0.022%); highest among the groups gnomAD compares: African/African-American, 0.37%; 2 homozygotes.

Submissions (6):

Labcorp Genetics (formerly Invitae), Labcorp
Classification: Benign for Autosomal dominant nonsyndromic hearing loss 3B; Hidrotic ectodermal dysplasia syndrome; Autosomal recessive nonsyndromic hearing loss 1B; Autosomal recessive nonsyndromic hearing loss 1A. Last evaluated: 2025-10-01. Review status: criteria provided, single submitter. Criteria: Invitae Variant Classification Sherloc (09022015). Collection method: clinical testing. Allele origin: germline.

Blueprint Genetics
Classification: Likely benign. Last evaluated: 2024-11-27. Review status: criteria provided, single submitter. Criteria: ACMG Guidelines, 2015. Collection method: clinical testing. Allele origin: germline.

GeneDx
Classification: Likely benign. Last evaluated: 2021-03-25. Review status: criteria provided, single submitter. Criteria: GeneDx Variant Classification Process June 2021. Collection method: clinical testing. Allele origin: germline. Affected: yes.
Comment: This variant is associated with the following publications: (PMID: 18024254)

Illumina Laboratory Services, Illumina
Classification: Likely benign for Hidrotic ectodermal dysplasia syndrome. Last evaluated: 2017-04-27. Review status: criteria provided, single submitter. Criteria: ICSL Variant Classification Criteria 13 December 2019. Collection method: clinical testing. Allele origin: germline.
Comment: This variant was observed as part of a predisposition screen in an ostensibly healthy population. A literature search was performed for the gene, cDNA change, and amino acid change (where applicable). No publications were found based on this search. Allele frequency data from public databases allowed determination this variant is unlikely to cause disease. Therefore, this variant is classified as likely benign.

Laboratory for Molecular Medicine, Mass General Brigham Personalized Medicine
Classification: Benign. Last evaluated: 2015-06-16. Review status: criteria provided, single submitter. Criteria: LMM Criteria. Collection method: clinical testing. Allele origin: germline. Observed: 3 variant alleles.
Comment: Thr5Thr in Exon 03 of GJB6: This variant is not expected to have clinical signif icance because it does not alter an amino acid residue, is not located within th e splice consensus sequence, and has been identified in 0.4% (43/10158) of Afric an chromosomes by the Exome Aggregation Consortium (ExAC; dbSNP rs150075979).

Eurofins Ntd Llc (ga)
Classification: Uncertain significance. Last evaluated: 2015-05-29. Review status: criteria provided, single submitter. Criteria: EGL Classification Definitions 2015. Collection method: clinical testing. Allele origin: germline. Observed: 2 variant alleles, 2 heterozygotes.

NM_001110219.3(GJB6):c.15G>A (p.Thr5=)

Gene: GJB6 (gap junction protein beta 6; minus strand). Cytogenetic location: 13q12.11.
Variant type: single nucleotide variant.
Coding change: c.15G>A on transcript NM_001110219.3 (MANE Select); coding-DNA position 15, G replaced by A.
Protein change: p.Thr5=; no amino-acid change (threonine 5 retained).
Molecular consequence: synonymous variant.
Genome position (GRCh38, 1-based): chr13:20,223,466, C>T on the plus strand (G>A on the coding strand, the complement: GJB6 is on the minus strand). VCF-style: chr13-20223466-C-T. GRCh37 (hg19) VCF-style: chr13-20797605-C-T.
Other names: c.15G>A, p.Thr5= (NM_001110220.3, NM_001110221.3, NM_001370090.1 and 3 more transcripts).
Identifiers: ClinVar variation 45501 (VCV000045501.22), dbSNP rs150075979, ClinGen allele CA136456.